The following is an entry in ClinVar:

ClinVar aggregate classification (germline): Uncertain significance (1 of 4 stars; one submission).

Conditions:
Syndromic intellectual disability. Also called: Intellectual disability syndrome. Identifiers: Orphanet 183763, MedGen C5680525, MONDO:0000508.

Submission:

Molecular Genetics, Royal Melbourne Hospital
Classification: Uncertain significance for Syndromic intellectual disability. Last evaluated: 2024-12-06. Review status: criteria provided, single submitter. Criteria: ACMG Guidelines, 2015. Collection method: clinical testing. Allele origin: germline. Inheritance: Autosomal dominant inheritance. Affected: yes.
Comment: This sequence change in KIF21B is predicted to replace aspartic acid with tyrosine at codon 1575, p.(Asp1575Tyr). The aspartic acid residue is moderately conserved (100 vertebrates, Multiz Alignments), and is located in the WD repeat 6 in a region (amino acids 1574-1576) highly intolerant to missense variation. There is a large physicochemical difference between aspartic acid and tyrosine. This variant is absent from the population database gnomAD v4.1. To our knowledge, this variant is novel and has not been previously reported in the relevant scientific literature or databases. Computational evidence is uninformative for the missense substitution (REVEL = 0.30) and predicts no impact on splicing (SpliceAI) for the nucleotide change. Based on the classification scheme RMH Modified ACMG/AMP Guidelines v1.7.0, this variant is classified as a VARIANT OF UNCERTAIN SIGNIFICANCE. Following criteria are met: PM1, PM2_Supporting.

NM_001252102.2(KIF21B):c.4723G>T (p.Asp1575Tyr)

Gene: KIF21B (kinesin family member 21B; minus strand). Cytogenetic location: 1q32.1.
Variant type: single nucleotide variant.
Coding change: c.4723G>T on transcript NM_001252102.2 (MANE Select); coding-DNA position 4723, G replaced by T.
Protein change: p.Asp1575Tyr; replaces aspartic acid 1575 with tyrosine.
Molecular consequence: missense variant.
Genome position (GRCh38, 1-based): chr1:200,974,805, C>A on the plus strand (G>T on the coding strand, the complement: KIF21B is on the minus strand). VCF-style: chr1-200974805-C-A. GRCh37 (hg19) VCF-style: chr1-200943933-C-A.
Other names: c.4723G>T, p.Asp1575Tyr (NM_001252100.2); c.4684G>T, p.Asp1562Tyr (NM_001252103.2, NM_017596.4); short protein forms D1562Y, D1575Y.
Identifiers: ClinVar variation 3773808 (VCV003773808.1).